The following is an entry in ClinVar:

ClinVar aggregate classification (germline): Uncertain significance (1 of 4 stars; one submission).

Conditions:
Epidermodysplasia verruciformis. Identifiers: Orphanet 302, MedGen C0014522, MONDO:0009176.

Allele frequency attached by ClinVar (database versions not stated): ExAC below 0.00001; TOPMed 0.00002; gnomAD exomes 0.00003.
gnomAD v4.1: 26 of 1,562,130 alleles (0.0017%); highest among the groups gnomAD compares: Admixed American, 0.011%; no homozygotes.

Submission:

Labcorp Genetics (formerly Invitae), Labcorp
Classification: Uncertain significance for Epidermodysplasia verruciformis. Last evaluated: 2019-12-05. Review status: criteria provided, single submitter. Criteria: Invitae Variant Classification Sherloc (09022015). Collection method: clinical testing. Allele origin: germline.
Comment: This sequence change replaces alanine with threonine at codon 124 of the TMC6 protein (p.Ala124Thr). The alanine residue is weakly conserved and there is a small physicochemical difference between alanine and threonine. The frequency data for this variant in the population databases is considered unreliable, as metrics indicate poor data quality at this position in the ExAC database. This variant has not been reported in the literature in individuals with TMC6-related conditions. Algorithms developed to predict the effect of missense changes on protein structure and function are either unavailable or do not agree on the potential impact of this missense change (SIFT: "Not Available"; PolyPhen-2: "Benign"; Align-GVGD: "Not Available"). In summary, the available evidence is currently insufficient to determine the role of this variant in disease. Therefore, it has been classified as a Variant of Uncertain Significance.

NM_001127198.5(TMC6):c.370G>A (p.Ala124Thr)

Gene: TMC6 (transmembrane channel like 6; minus strand). Cytogenetic location: 17q25.3.
Variant type: single nucleotide variant.
Coding change: c.370G>A on transcript NM_001127198.5 (MANE Select); coding-DNA position 370, G replaced by A.
Protein change: p.Ala124Thr; replaces alanine 124 with threonine.
Molecular consequence: missense variant.
Genome position (GRCh38, 1-based): chr17:78,125,786, C>T on the plus strand (G>A on the coding strand, the complement: TMC6 is on the minus strand). VCF-style: chr17-78125786-C-T. GRCh37 (hg19) VCF-style: chr17-76121867-C-T.
Other names: c.370G>A, p.Ala124Thr (NM_001321185.1, NM_001374593.1, NM_001374594.1 and 4 more transcripts); short protein forms A124T.
Identifiers: ClinVar variation 859347 (VCV000859347.1), dbSNP rs759925295, ClinGen allele CA8796148.